The following is an entry in ClinVar:

ClinVar aggregate classification (germline): Pathogenic (1 of 4 stars; one submission).

Conditions:
Arginase deficiency. Also called: Arginase 1 Deficiency; ARGININEMIA; ARG1 DEFICIENCY. Identifiers: Orphanet 90, MedGen C0268548, MONDO:0008814, OMIM 207800.

Allele frequency attached by ClinVar (database versions not stated): gnomAD exomes 0.00001.

Submission:

Labcorp Genetics (formerly Invitae), Labcorp
Classification: Pathogenic for Arginase deficiency. Last evaluated: 2022-10-13. Review status: criteria provided, single submitter. Criteria: Invitae Variant Classification Sherloc (09022015). Collection method: clinical testing. Allele origin: germline.
Comment: For these reasons, this variant has been classified as Pathogenic. This variant has not been reported in the literature in individuals affected with ARG1-related conditions. This variant is not present in population databases (gnomAD no frequency). This sequence change creates a premature translational stop signal (p.Glu214Lysfs*7) in the ARG1 gene. It is expected to result in an absent or disrupted protein product. Loss-of-function variants in ARG1 are known to be pathogenic (PMID: 7649538, 12052859).

Literature cited by the submitters: PubMed 7649538; PubMed 12052859.

NM_000045.4(ARG1):c.640del (p.Glu214fs)

Genes: ARG1 (arginase 1; plus strand), MED23 (mediator complex subunit 23; minus strand). Cytogenetic location: 6q23.2.
Variant type: Deletion.
Coding change: c.640del on transcript NM_000045.4 (MANE Select); coding-DNA position 640, one base deleted (G; older notation c.640delG).
Protein change: p.Glu214fs; shifts the reading frame from glutamic acid 214.
Molecular consequence: frameshift variant. On other transcripts: non-coding transcript variant (1), intron variant (2).
Genome position (GRCh38, 1-based): chr6:131,583,139, G deleted. VCF-style (leftmost placement, unchanged base first): chr6-131583138-AG-A. GRCh37 (hg19) VCF-style: chr6-131904278-AG-A.
Other names: c.664del, p.Glu222fs (NM_001244438.2); c.385del, p.Glu129fs (NM_001369020.1); c.4077+4570del (NM_001270521.2); c.4095+4570del (NM_015979.4); short protein forms E129fs, E214fs, E222fs.
Identifiers: ClinVar variation 2124468 (VCV002124468.4), dbSNP rs2482384211, ClinGen allele CA2580075133.